The following is an entry in ClinVar:

NM_020738.4(KIDINS220):c.4137G>T (p.Val1379=)

Gene: KIDINS220 (kinase D interacting substrate 220; minus strand). Cytogenetic location: 2p25.1.
Variant type: single nucleotide variant.
Coding change: c.4137G>T on transcript NM_020738.4 (MANE Select); coding-DNA position 4137, G replaced by T.
Protein change: p.Val1379=; no amino-acid change (valine 1379 retained).
Molecular consequence: synonymous variant. On other transcripts: intron variant (6).
Genome position (GRCh38, 1-based): chr2:8,731,899, C>A on the plus strand (G>T on the coding strand, the complement: KIDINS220 is on the minus strand). VCF-style: chr2-8731899-C-A. GRCh37 (hg19) VCF-style: chr2-8872029-C-A.
Other names: c.4140G>T, p.Val1380= (NM_001348729.2); c.4083G>T, p.Val1361= (NM_001348731.2); c.4080G>T, p.Val1360= (NM_001348732.2); c.3969G>T, p.Val1323= (NM_001348734.2); c.3966G>T, p.Val1322= (NM_001348735.2); c.3840G>T, p.Val1280= (NM_001348736.2); c.3882+1545G>T (NM_001348741.2, NM_001348742.2, NM_001348743.2); c.3996+1545G>T (NM_001348738.2); and 1 more.
Identifiers: ClinVar variation 726435 (VCV000726435.9), dbSNP rs758979348, ClinGen allele CA1519418.
Genomic context (GRCh38, chr2:8,731,899, plus strand): 5'-CCCTTCTAACTGGGACATCTGAGCAATGTATTCTCTATAGGCATCTCTATACTCGGCCTG[C>A]ACCTTATCAGTAAGCTTTGAAATTTCAATACTGGAATCCTGGGAATTGAGACTCGAAAGA-3'
Protein context (NP_065789.1, residues 1369-1389): SIEISKLTDK[Val1379=]QAEYRDAYRE

ClinVar aggregate classification (germline): Likely benign. Review status: criteria provided, multiple submitters, no conflicts (2 of 4 stars). 3 submissions from 3 submitters: Likely benign (2). 1 of the submissions does not count toward it. Last evaluated 2026-01-15.

Conditions:
KIDINS220-related disorder. Also called: KIDINS220-related condition.

Allele frequency attached by ClinVar (database versions not stated): TOPMed 0.00001; gnomAD 0.00002; ExAC 0.00003; gnomAD exomes 0.00003.
gnomAD v4.1: 114 of 1,613,582 alleles (0.0071%); highest among the groups gnomAD compares: Non-Finnish European, 0.0091%; no homozygotes.

Submissions (3):

Labcorp Genetics (formerly Invitae), Labcorp
Classification: Likely benign. Last evaluated: 2026-01-15. Review status: criteria provided, single submitter. Criteria: Invitae Variant Classification Sherloc (09022015). Collection method: clinical testing. Allele origin: germline.

Blueprint Genetics
Classification: Likely benign. Last evaluated: 2023-07-05. Review status: criteria provided, single submitter. Criteria: ACMG Guidelines, 2015. Collection method: clinical testing. Allele origin: germline.

PreventionGenetics, part of Exact Sciences
Classification: Likely benign for KIDINS220-related condition. Last evaluated: 2021-08-11. Review status: no assertion criteria provided. Collection method: clinical testing. Allele origin: germline. Not counted in ClinVar's aggregate classification.
Comment: This variant is classified as likely benign based on ACMG/AMP sequence variant interpretation guidelines (Richards et al. 2015 PMID: 25741868, with internal and published modifications).